The following is an entry in ClinVar:

NM_000283.4(PDE6B):c.1927_1967del (p.Asn643fs)

Gene: PDE6B (phosphodiesterase 6B; plus strand). Cytogenetic location: 4p16.3.
Variant type: Deletion.
Coding change: c.1927_1967del on transcript NM_000283.4 (MANE Select); coding-DNA positions 1927 to 1967, 41 bases deleted.
Protein change: p.Asn643fs; shifts the reading frame from asparagine 643.
Molecular consequence: frameshift variant.
Genome position (GRCh38, 1-based): chr4:663,776-663,816, 41 bases deleted. GRCh37 (hg19): chr4:657,565-657,605.
Other names: c.1927_1967del, p.Asn643fs (NM_001145291.2); c.1090_1130del, p.Asn364fs (NM_001145292.2, NM_001350154.3, NM_001379246.1 and 1 more transcripts); c.772_812del, p.Asn258fs (NM_001350155.3); short protein forms N258fs, N364fs, N643fs.
Identifiers: ClinVar variation 1184488 (VCV001184488.31), dbSNP rs1296042817, ClinGen allele CA797560248.

ClinVar aggregate classification (germline): Pathogenic/Likely pathogenic. Review status: criteria provided, multiple submitters, no conflicts (2 of 4 stars). 4 submissions from 4 submitters: Pathogenic (2); Likely pathogenic (1). 1 of the submissions does not count toward it. Last evaluated 2023-03-01.

Conditions:
Retinal dystrophy. Also called: Inherited retinal dystrophy. Identifiers: Orphanet 71862, MedGen C0854723, MeSH D058499, MONDO:0019118, HP:0000556.
Retinitis pigmentosa 40 (RP40). Identifiers: Orphanet 791, MedGen C3151107, MONDO:0013429, OMIM 613801.

Submissions (4):

CeGaT Center for Human Genetics Tuebingen
Classification: Pathogenic. Last evaluated: 2023-03-01. Review status: criteria provided, single submitter. Criteria: CeGaT Center For Human Genetics Tuebingen Variant Classification Criteria Version 2. Collection method: clinical testing. Allele origin: germline. Affected: yes. Observed: 1 variant allele.
Comment: PDE6B: PVS1, PM2

Institute of Human Genetics, Univ. Regensburg, Univ. Regensburg
Classification: Likely pathogenic for Retinal dystrophy. Last evaluated: 2022-01-01. Review status: criteria provided, single submitter. Criteria: ACMG Guidelines, 2015. Collection method: clinical testing. Allele origin: germline. Affected: yes.

Labcorp Genetics (formerly Invitae), Labcorp
Classification: Pathogenic. Last evaluated: 2021-11-04. Review status: criteria provided, single submitter. Criteria: Invitae Variant Classification Sherloc (09022015). Collection method: clinical testing. Allele origin: germline.
Comment: This sequence change creates a premature translational stop signal (p.Asn643Glyfs*29) in the PDE6B gene. It is expected to result in an absent or disrupted protein product. Loss-of-function variants in PDE6B are known to be pathogenic (PMID: 8394174, 8595886, 22334370). This variant is not present in population databases (gnomAD no frequency). This premature translational stop signal has been observed in individual(s) with autosomal recessive retinitis pigmentosa (PMID: 22334370). ClinVar contains an entry for this variant (Variation ID: 1184488). For these reasons, this variant has been classified as Pathogenic.

Genomics England Pilot Project, Genomics England
Classification: Pathogenic for Retinitis pigmentosa 40. Review status: no assertion criteria provided. Criteria: ACGS Guidelines, 2016. Collection method: clinical testing. Allele origin: germline. Affected: yes. Not counted in ClinVar's aggregate classification.

Literature cited by the submitters: PubMed 34758253 (cited by Institute of Human Genetics, Univ. Regensburg, Univ. Regensburg); PubMed 8394174 (cited by Labcorp Genetics (formerly Invitae), Labcorp); PubMed 8595886 (cited by Labcorp Genetics (formerly Invitae), Labcorp); PubMed 22334370 (cited by Labcorp Genetics (formerly Invitae), Labcorp).